The following is an entry in ClinVar:

NM_001377.3(DYNC2H1):c.938C>G (p.Pro313Arg)

Gene: DYNC2H1 (dynein cytoplasmic 2 heavy chain 1; plus strand). Cytogenetic location: 11q22.3.
Variant type: single nucleotide variant.
Coding change: c.938C>G on transcript NM_001377.3 (MANE Select); coding-DNA position 938, C replaced by G.
Protein change: p.Pro313Arg; replaces proline 313 with arginine.
Molecular consequence: missense variant.
Genome position (GRCh38, 1-based): chr11:103,117,802, C>G. VCF-style: chr11-103117802-C-G. GRCh37 (hg19) VCF-style: chr11-102988531-C-G.
Other names: c.938C>G (NM_001080463.1); c.938C>G, p.Pro313Arg (NM_001080463.2); short protein forms P313R.
Identifiers: ClinVar variation 2175710 (VCV002175710.2), dbSNP rs748989859, ClinGen allele CA6252636.

ClinVar aggregate classification (germline): Uncertain significance. Review status: criteria provided, multiple submitters, no conflicts (2 of 4 stars). 2 submissions from 2 submitters: Uncertain significance (2). Last evaluated 2023-09-26.

Conditions:
Jeune thoracic dystrophy. Also called: Infantile thoracic dystrophy; Thoracic pelvic phalangeal dystrophy; Jeune's syndrome; Chondroectodermal dysplasia-like syndrome; Short-rib thoracic dysplasia; Jeune syndrome. Identifiers: Orphanet 474, MedGen C0265275, MONDO:0018770.
Inborn genetic diseases. Identifiers: MedGen C0950123, MeSH D030342.

Allele frequency attached by ClinVar (database versions not stated): TOPMed 0.00001; ExAC 0.00002; gnomAD 0.00002; gnomAD exomes 0.00002.
gnomAD v4.1: 12 of 1,612,664 alleles (0.00074%); highest among the groups gnomAD compares: East Asian, 0.027%; no homozygotes.

Submissions (2):

Ambry Genetics
Classification: Uncertain significance for Inborn genetic diseases. Last evaluated: 2023-09-26. Review status: criteria provided, single submitter. Criteria: Ambry Variant Classification Scheme 2023. Collection method: clinical testing. Allele origin: germline.

Labcorp Genetics (formerly Invitae), Labcorp
Classification: Uncertain significance for Jeune thoracic dystrophy. Last evaluated: 2022-09-19. Review status: criteria provided, single submitter. Criteria: Invitae Variant Classification Sherloc (09022015). Collection method: clinical testing. Allele origin: germline.
Comment: This sequence change replaces proline, which is neutral and non-polar, with arginine, which is basic and polar, at codon 313 of the DYNC2H1 protein (p.Pro313Arg). This variant is present in population databases (rs748989859, gnomAD 0.06%). This variant has not been reported in the literature in individuals affected with DYNC2H1-related conditions. Advanced modeling of protein sequence and biophysical properties (such as structural, functional, and spatial information, amino acid conservation, physicochemical variation, residue mobility, and thermodynamic stability) has been performed at Invitae for this missense variant, however the output from this modeling did not meet the statistical confidence thresholds required to predict the impact of this variant on DYNC2H1 protein function. In summary, the available evidence is currently insufficient to determine the role of this variant in disease. Therefore, it has been classified as a Variant of Uncertain Significance.